The following is an entry in ClinVar:

NM_019108.4(SMG9):c.585C>T (p.Ile195=)

Gene: SMG9 (SMG9 nonsense mediated mRNA decay factor; minus strand). Cytogenetic location: 19q13.31.
Variant type: single nucleotide variant.
Coding change: c.585C>T on transcript NM_019108.4 (MANE Select); coding-DNA position 585, C replaced by T.
Protein change: p.Ile195=; no amino-acid change (isoleucine 195 retained).
Molecular consequence: synonymous variant.
Genome position (GRCh38, 1-based): chr19:43,747,445, G>A on the plus strand (C>T on the coding strand, the complement: SMG9 is on the minus strand). VCF-style: chr19-43747445-G-A. GRCh37 (hg19) VCF-style: chr19-44251597-G-A.
Identifiers: ClinVar variation 3049857 (VCV003049857.2), dbSNP rs148972113, ClinGen allele CA9491479.

ClinVar aggregate classification (germline): Likely benign (0 of 4 stars; one submission).

Conditions:
SMG9-related disorder. Also called: SMG9-related condition.

Allele frequency attached by ClinVar (database versions not stated): gnomAD exomes below 0.00001; gnomAD 0.00001; ExAC 0.00002; ESP Exome Variant Server 0.00015.
gnomAD v4.1: 7 of 1,613,142 alleles (0.00043%); highest among the groups gnomAD compares: South Asian, 0.0022%; no homozygotes.

Submission:

PreventionGenetics, part of Exact Sciences
Classification: Likely benign for SMG9-related condition. Last evaluated: 2019-07-16. Review status: no assertion criteria provided. Collection method: clinical testing. Allele origin: germline.
Comment: This variant is classified as likely benign based on ACMG/AMP sequence variant interpretation guidelines (Richards et al. 2015 PMID: 25741868, with internal and published modifications).